The following is an entry in ClinVar:

NM_004714.3(DYRK1B):c.1748C>T (p.Ala583Val)

Gene: DYRK1B (dual specificity tyrosine phosphorylation regulated kinase 1B; minus strand). Cytogenetic location: 19q13.2.
Variant type: single nucleotide variant.
Coding change: c.1748C>T on transcript NM_004714.3 (MANE Select); coding-DNA position 1748, C replaced by T.
Protein change: p.Ala583Val; replaces alanine 583 with valine.
Molecular consequence: missense variant.
Genome position (GRCh38, 1-based): chr19:39,825,857, G>A on the plus strand (C>T on the coding strand, the complement: DYRK1B is on the minus strand). VCF-style: chr19-39825857-G-A. GRCh37 (hg19) VCF-style: chr19-40316497-G-A.
Other names: c.1628C>T, p.Ala543Val (NM_006483.3); c.1664C>T, p.Ala555Val (NM_006484.3); c.1748C>T (NM_004714.2); short protein forms A543V, A555V, A583V.
Identifiers: ClinVar variation 2584637 (VCV002584637.2), dbSNP rs770275514, ClinGen allele CA9433930.

ClinVar aggregate classification (germline): Uncertain significance. Review status: criteria provided, single submitter (1 of 4 stars). 2 submissions from 2 submitters: Uncertain significance (1). 1 of the submissions does not count toward it. Last evaluated 2023-01-06.

Conditions:
Abdominal obesity-metabolic syndrome 3 (AOMS3). Also called: CENTRAL OBESITY, TYPE 2 DIABETES, HYPERTENSION, AND EARLY-ONSET CORONARY ARTERY DISEASE. Identifiers: MedGen C4014361, MONDO:0014352, OMIM 615812.
DYRK1B-related disorder. Also called: DYRK1B-related condition.

Allele frequency attached by ClinVar (database versions not stated): gnomAD exomes 0.00004; ExAC 0.00005; gnomAD 0.00005.
gnomAD v4.1: 67 of 1,605,482 alleles (0.0042%); highest among the groups gnomAD compares: Admixed American, 0.0017%; no homozygotes.

Submissions (2):

New York Genome Center
Classification: Uncertain significance for Abdominal obesity-metabolic syndrome 3. Last evaluated: 2023-01-06. Review status: criteria provided, single submitter. Criteria: NYGC Assertion Criteria 2020. Collection method: clinical testing. Allele origin: germline. Observed: 1 heterozygote.
Comment: The c.1748C>T, p.(Ala583Val) missense variant identified in the DYRK1B gene has not been reported in affected individuals in theliterature. The variant is observed in 33 out of ~569,000 heterozygous alleles (no homozygotes) in population databases (gnomAD v2.1.1 and v3.1.2, TOPMed Freeze8), suggesting it is not a common benign variant in the populations represented in those databases. The c.1748C>T variant is located in the last exon of this 11-exongene and is predicted to replace a moderately conserved alanine amino acid with valine at position 583 of the encoded protein. In silico predictions are not in favorof the variant’s damaging effect [REVEL = 0.058]; however, functional studies to support or refute these predictions have not been reported. Due to the lack of compelling evidence for its pathogenicity, the c.1748C>T, p.(Ala583Val) missense variant identified in the DYRK1B gene is reported as a Variant of Uncertain Significance.

PreventionGenetics, part of Exact Sciences
Classification: Likely benign for DYRK1B-related condition. Last evaluated: 2024-03-27. Review status: no assertion criteria provided. Collection method: clinical testing. Allele origin: germline. Not counted in ClinVar's aggregate classification.
Comment: This variant is classified as likely benign based on ACMG/AMP sequence variant interpretation guidelines (Richards et al. 2015 PMID: 25741868, with internal and published modifications).